The following is an entry in ClinVar:

ClinVar aggregate classification (germline): Conflicting classifications of pathogenicity. Review status: criteria provided, conflicting classifications (1 of 4 stars). 3 submissions from 3 submitters: Uncertain significance (1); Likely benign (2). Last evaluated 2026-09-09.

Conditions:
EP300-related disorder. Also called: EP300-related condition; EP300-related disorders.
Rubinstein-Taybi syndrome due to EP300 haploinsufficiency. Also called: EP300-Related Rubinstein-Taybi Syndrome; RUBINSTEIN-TAYBI SYNDROME 2. Identifiers: Orphanet 353284, Orphanet 783, MedGen C3150941, MONDO:0013364, OMIM 613684.
Inborn genetic diseases. Identifiers: MedGen C0950123, MeSH D030342.

Allele frequency attached by ClinVar (database versions not stated): ExAC 0.00001; TOPMed 0.00003; gnomAD exomes below 0.00001.

Submissions (3):

PreventionGenetics, part of Exact Sciences
Classification: Uncertain significance for EP300-related condition. Last evaluated: 2026-09-09. Review status: criteria provided, single submitter. Criteria: ACMG Guidelines, 2015. Collection method: clinical testing. Allele origin: germline.
Comment: The EP300 c.839T>C variant is predicted to result in the amino acid substitution p.Leu280Pro. This variant has been reported in an individual with isolated ventricular septal defect (Table S4, Sierant et al. 2025. PubMed ID: 40127276). This variant is reported in 0.0058% of alleles in individuals of Latino descent in gnomAD. At this time, the clinical significance of this variant is uncertain due to the absence of conclusive functional and genetic evidence.

Labcorp Genetics (formerly Invitae), Labcorp
Classification: Likely benign for Rubinstein-Taybi syndrome due to EP300 haploinsufficiency. Last evaluated: 2023-06-09. Review status: criteria provided, single submitter. Criteria: Invitae Variant Classification Sherloc (09022015). Collection method: clinical testing. Allele origin: germline.

Ambry Genetics
Classification: Likely benign for Inborn genetic diseases. Last evaluated: 2023-05-09. Review status: criteria provided, single submitter. Criteria: Ambry Variant Classification Scheme 2023. Collection method: clinical testing. Allele origin: germline.

NM_001429.4(EP300):c.839T>C (p.Leu280Pro)

Gene: EP300 (EP300 lysine acetyltransferase; plus strand). Cytogenetic location: 22q13.2.
Variant type: single nucleotide variant.
Coding change: c.839T>C on transcript NM_001429.4 (MANE Select); coding-DNA position 839, T replaced by C.
Protein change: p.Leu280Pro; replaces leucine 280 with proline.
Molecular consequence: missense variant.
Genome position (GRCh38, 1-based): chr22:41,125,973, T>C. VCF-style: chr22-41125973-T-C. GRCh37 (hg19) VCF-style: chr22-41521977-T-C.
Other names: c.839T>C, p.Leu280Pro (NM_001362843.2); c.839T>C (NM_001429.3); short protein forms L280P.
Identifiers: ClinVar variation 2157427 (VCV002157427.7), dbSNP rs763554446, ClinGen allele CA10252372.
Genomic context (GRCh38, chr22:41,125,973, plus strand): 5'-ATCCTGGACAGCAGATTGGAGCCAGTGGCCTTGGTCTCCAGATTCAGACAAAAACTGTAC[T>C]ATCAAATAACTTATCTCCATTTGCTATGGACAAAAAGGCAGTTCCTGGTGGAGGAATGCC-3'
Protein context (NP_001420.2, residues 270-290): LGLQIQTKTV[Leu280Pro]SNNLSPFAMD